The following is an entry in ClinVar:

ClinVar aggregate classification (germline): Benign (0 of 4 stars; one submission).

Conditions:
ABCG2-related disorder. Also called: ABCG2-related condition.

Allele frequency attached by ClinVar (database versions not stated): gnomAD 0.05483; ExAC 0.07086; TOPMed 0.05839; 1000 Genomes Project 0.09065; gnomAD exomes 0.04046; 1000 Genomes Project 30x 0.09151; ESP Exome Variant Server 0.03145.
gnomAD v4.1: 68,040 of 1,613,890 alleles (4.2%); highest among the groups gnomAD compares: Admixed American, 19%; 3,032 homozygotes.

Submission:

PreventionGenetics, part of Exact Sciences
Classification: Benign for ABCG2-related condition. Last evaluated: 2019-12-10. Review status: no assertion criteria provided. Collection method: clinical testing. Allele origin: germline.
Comment: This variant is classified as benign based on ACMG/AMP sequence variant interpretation guidelines (Richards et al. 2015 PMID: 25741868, with internal and published modifications).

NM_004827.3(ABCG2):c.263+10A>G

Gene: ABCG2 (ATP binding cassette subfamily G member 2 (JR blood group); minus strand). Cytogenetic location: 4q22.1.
Variant type: single nucleotide variant.
Coding change: c.263+10A>G on transcript NM_004827.3 (MANE Select); 10 bases into the intron after coding-DNA position 263, A replaced by G.
Molecular consequence: intron variant.
Genome position (GRCh38, 1-based): chr4:88,132,566, T>C on the plus strand (A>G on the coding strand, the complement: ABCG2 is on the minus strand). VCF-style: chr4-88132566-T-C. GRCh37 (hg19) VCF-style: chr4-89053718-T-C.
Other names: c.263+10A>G (NM_001257386.2, NM_001348985.1, NM_001348987.1 and 6 more transcripts); c.53+10A>G (NM_001441211.1, NM_001441213.1, NM_001441212.1).
Identifiers: ClinVar variation 3059818 (VCV003059818.2), dbSNP rs2231138, ClinGen allele CA3004997.